The following is an entry in ClinVar:

ClinVar aggregate classification (germline): Likely pathogenic (1 of 4 stars; one submission).

Conditions:
KCNQ2-Related Disorders. Also called: KCNQ2-related condition; KCNQ2-related disorder. Identifiers: MedGen CN169299.

Submission:

3billion
Classification: Likely pathogenic for KCNQ2-related disorder. Last evaluated: 2025-07-28. Review status: criteria provided, single submitter. Criteria: ACMG Guidelines, 2015. Collection method: clinical testing. Allele origin: germline. Affected: yes.
Comment: The variant is not observed in the gnomAD v4.1.0 dataset. Predicted Consequence/Location: The variant is located in a mutational hot spot and/or well-established functional domain in which established pathogenic variants have been reported. Inframe insertion located in a nonrepeat region: predicted to change the length of the protein and disrupt normal protein function. Therefore, this variant is classified as Likely pathogenic according to the recommendation of ACMG/AMP guideline.

NM_172107.4(KCNQ2):c.738_740dup (p.Ser247_Phe248insSer)

Gene: KCNQ2 (potassium voltage-gated channel subfamily Q member 2; minus strand). Cytogenetic location: 20q13.33.
Variant type: Duplication.
Coding change: c.738_740dup on transcript NM_172107.4 (MANE Select); coding-DNA positions 738 to 740, 3 bases duplicated (CTC; older notation c.738_740dupCTC).
Protein change: p.Ser247_Phe248insSer.
Molecular consequence: inframe insertion.
Genome position (GRCh38, 1-based): chr20:63,442,482-63,442,484, GAG duplicated on the plus strand (CTC on the coding strand, the reverse complement: KCNQ2 is on the minus strand); duplicating any 3 consecutive bases within chr20:63,442,482-63,442,485 gives the same sequence; the c. name uses the placement nearest the transcript's 3' end. VCF-style (leftmost placement, unchanged base first): chr20-63442481-C-CGAG. GRCh37 (hg19) VCF-style: chr20-62073834-C-CGAG.
Other names: c.738_740dup, p.Ser247_Phe248insSer (NM_001382235.1, NM_001439003.1, NM_001439004.1 and 4 more transcripts).
Identifiers: ClinVar variation 4855671 (VCV004855671.1).